The following is an entry in ClinVar:

NM_000059.4(BRCA2):c.2352G>C (p.Met784Ile)

Gene: BRCA2 (BRCA2 DNA repair associated; plus strand). Cytogenetic location: 13q13.1.
Variant type: single nucleotide variant.
Coding change: c.2352G>C on transcript NM_000059.4 (MANE Select); coding-DNA position 2352, G replaced by C.
Protein change: p.Met784Ile; replaces methionine 784 with isoleucine.
Molecular consequence: missense variant. On other transcripts: non-coding transcript variant (1), intron variant (2).
Genome position (GRCh38, 1-based): chr13:32,336,707, G>C. VCF-style: chr13-32336707-G-C. GRCh37 (hg19) VCF-style: chr13-32910844-G-C.
Other names: c.2352G>C, p.Met784Ile (NM_001406719.1, NM_001406720.1, NM_001432077.1); c.1909+3320G>C (NM_001406721.1); c.424+5677G>C (NM_001406722.1); short protein forms M784I.
Identifiers: ClinVar variation 5033353 (VCV005033353.1).
Genomic context (GRCh38, chr13:32,336,707, plus strand): 5'-AAATGCCAGCACTCTTATTTTAACTCCTACTTCCAAGGATGTTCTGTCAAACCTAGTCAT[G>C]ATTTCTAGAGGCAAAGAATCATACAAAATGTCAGACAAGCTCAAAGGTAACAATTATGAA-3'
Protein context (NP_000050.3, residues 774-794): TSKDVLSNLV[Met784Ile]ISRGKESYKM

ClinVar aggregate classification (germline): Uncertain significance (1 of 4 stars; one submission).

Conditions:
Hereditary cancer-predisposing syndrome. Also called: Neoplastic Syndromes, Hereditary; Tumor predisposition; Hereditary neoplastic syndrome; Hereditary Cancer Syndrome. Identifiers: Orphanet 140162, MedGen C0027672, MeSH D009386, MONDO:0015356.

Submission:

Ambry Genetics
Classification: Uncertain significance for Hereditary cancer-predisposing syndrome. Last evaluated: 2026-08-25. Review status: criteria provided, single submitter. Criteria: Ambry Variant Classification Scheme 2023. Collection method: clinical testing. Allele origin: germline.
Comment: The p.M784I variant (also known as c.2352G>C), located in coding exon 10 of the BRCA2 gene, results from a G to C substitution at nucleotide position 2352. The methionine at codon 784 is replaced by isoleucine, an amino acid with highly similar properties. This amino acid position is poorly conserved in available vertebrate species. In addition, this alteration is predicted to be tolerated by in silico analysis. Based on the available evidence, the clinical significance of this variant remains unclear.